The following is an entry in ClinVar:

NC_000013.11:g.32357824A>T

Gene: BRCA2 (BRCA2 DNA repair associated; plus strand). Cytogenetic location: 13q13.1.
Variant type: single nucleotide variant.
Genome position: GRCh38 VCF-style: chr13-32357824-A-T. GRCh37 (hg19) VCF-style: chr13-32931961-A-T.
Other names: Y2567F; c.7700A>T, p.Tyr2567Phe (LRG_293t1).
Identifiers: ClinVar variation 38115 (VCV000038115.4), dbSNP rs397507391, ClinGen allele CA025237.

ClinVar aggregate classification (germline): Uncertain significance. Review status: criteria provided, single submitter (1 of 4 stars). 2 submissions from 2 submitters: Uncertain significance (1). 1 of the submissions does not count toward it. Last evaluated 2024-12-23.

Conditions:
Hereditary breast ovarian cancer syndrome. Also called: Hereditary breast and ovarian cancer; Hereditary breast and ovarian cancer syndrome (HBOC); Hereditary breast and/or ovarian cancer syndrome; Breast and ovarian cancer; Hereditary breast and ovarian cancer syndrome; BRCA1- and BRCA2-Associated Hereditary Breast and Ovarian Cancer. Identifiers: Orphanet 145, MedGen C0677776, MeSH D061325, MONDO:0003582. Disease mechanism: loss of function.
Breast-ovarian cancer, familial, susceptibility to, 2 (BROVCA2). Also called: BRCA2 Hereditary Breast and Ovarian Cancer. Identifiers: Orphanet 145, MedGen C2675520, MONDO:0012933, OMIM 612555. Disease mechanism: loss of function.

Allele frequency attached by ClinVar (database versions not stated): gnomAD exomes below 0.00001.
gnomAD v4.1: 2 of 1,613,926 alleles (0.00012%); highest among the groups gnomAD compares: East Asian, 0.0045%; no homozygotes.

Submissions (2):

Labcorp Genetics (formerly Invitae), Labcorp
Classification: Uncertain significance for Hereditary breast ovarian cancer syndrome. Last evaluated: 2024-12-23. Review status: criteria provided, single submitter. Criteria: Invitae Variant Classification Sherloc (09022015). Collection method: clinical testing. Allele origin: germline.
Comment: This sequence change replaces tyrosine, which is neutral and polar, with phenylalanine, which is neutral and non-polar, at codon 2567 of the BRCA2 protein (p.Tyr2567Phe). This variant is not present in population databases (gnomAD no frequency). This variant has not been reported in the literature in individuals affected with BRCA2-related conditions. ClinVar contains an entry for this variant (Variation ID: 38115). Invitae Evidence Modeling of protein sequence and biophysical properties (such as structural, functional, and spatial information, amino acid conservation, physicochemical variation, residue mobility, and thermodynamic stability) indicates that this missense variant is not expected to disrupt BRCA2 protein function with a negative predictive value of 95%. In summary, the available evidence is currently insufficient to determine the role of this variant in disease. Therefore, it has been classified as a Variant of Uncertain Significance.

Sharing Clinical Reports Project (SCRP)
Classification: Uncertain significance for Breast-ovarian cancer, familial 2. Last evaluated: 2006-08-30. Review status: no assertion criteria provided. Collection method: clinical testing. Allele origin: germline. Not counted in ClinVar's aggregate classification.